The following is an entry in ClinVar:

NC_012920.1(MT-ND5):m.13661A>G

Gene: MT-ND5 (mitochondrially encoded NADH dehydrogenase 5; plus strand).
Variant type: single nucleotide variant.
Genome position: chrM-13661-A-G.
Identifiers: ClinVar variation 693588 (VCV000693588.1), dbSNP rs1603224293, ClinGen allele CA414818961.

ClinVar aggregate classification (germline): Likely benign (1 of 4 stars; one submission).

Conditions:
Leigh syndrome (NULS). Also called: Leigh's necrotizing encephalopathy; Leigh's disease; Leigh's syndrome; LEIGH SYNDROME, NUCLEAR; Leigh Syndrome (mtDNA deletion); Leigh Disease. Identifiers: Orphanet 506, MedGen C2931891, MONDO:0009723, OMIM 256000.

Submission:

Wong Mito Lab, Molecular and Human Genetics, Baylor College of Medicine
Classification: Likely benign for Leigh syndrome. Last evaluated: 2019-10-17. Review status: criteria provided, single submitter. Criteria: Modified ACMG Guidelines (Unpublished). Collection method: clinical testing. Allele origin: germline.
Comment: The NC_012920.1:m.13661A>G (YP_003024036.1:p.Asn442Ser) variant in MTND5 gene is interpretated to be a Likely Benign variant based on the modified ACMG guidelines (unpublished). This variant meets the following evidence codes: BS4, BP4